The following is an entry in ClinVar:

NM_003611.3(OFD1):c.2524G>A (p.Gly842Arg)

Gene: OFD1 (OFD1 centriole and centriolar satellite protein; plus strand). Cytogenetic location: Xp22.2.
Variant type: single nucleotide variant.
Coding change: c.2524G>A on transcript NM_003611.3 (MANE Select); coding-DNA position 2524, G replaced by A.
Protein change: p.Gly842Arg; replaces glycine 842 with arginine.
Molecular consequence: missense variant.
Genome position (GRCh38, 1-based): chrX:13,763,780, G>A. VCF-style: chrX-13763780-G-A. GRCh37 (hg19) VCF-style: chrX-13781899-G-A.
Other names: c.2404G>A, p.Gly802Arg (NM_001330209.2); c.2104G>A, p.Gly702Arg (NM_001330210.2); short protein forms G842R, G702R, G802R.
Identifiers: ClinVar variation 532268 (VCV000532268.19), dbSNP rs146047094, ClinGen allele CA10352032.

ClinVar aggregate classification (germline): Benign/Likely benign. Review status: criteria provided, multiple submitters, no conflicts (2 of 4 stars). 5 submissions from 5 submitters: Benign (3); Likely benign (2). Last evaluated 2026-01-12.

Conditions:
Retinal dystrophy. Also called: Inherited retinal dystrophy. Identifiers: Orphanet 71862, MedGen C0854723, MeSH D058499, MONDO:0019118, HP:0000556.
Primary ciliary dyskinesia. Also called: Ciliary dyskinesia. Identifiers: Orphanet 244, MedGen C0008780, MONDO:0016575, HP:0012265.
Orofaciodigital syndrome I (OFD1). Also called: Papillon-Leage and Psaume Syndrome; Oral-Facial-Digital Syndrome Type I; OFDS I. Identifiers: Orphanet 2750, MedGen C1510460, MONDO:0010702, OMIM 311200.
Joubert syndrome. Also called: Familial aplasia of the vermis; JOUBERT-BOLTSHAUSER SYNDROME. Identifiers: Orphanet 475, MedGen C5979921, MONDO:0018772.

Allele frequency attached by ClinVar (database versions not stated): gnomAD 0.00023 and 0.00030; gnomAD exomes 0.00029 and 0.00073; TOPMed 0.00047; ESP Exome Variant Server 0.00057; ExAC 0.00074; 1000 Genomes Project 30x 0.00083; 1000 Genomes Project 0.00106.
gnomAD v4.1: 348 of 1,209,533 alleles (0.029%); highest among the groups gnomAD compares: East Asian, 0.92%; 1 homozygote.

Submissions (5):

Labcorp Genetics (formerly Invitae), Labcorp
Classification: Benign for Orofaciodigital syndrome I; Joubert syndrome. Last evaluated: 2026-01-12. Review status: criteria provided, single submitter. Criteria: Invitae Variant Classification Sherloc (09022015). Collection method: clinical testing. Allele origin: germline.

Blueprint Genetics
Classification: Likely benign. Last evaluated: 2024-11-07. Review status: criteria provided, single submitter. Criteria: ACMG Guidelines, 2015. Collection method: clinical testing. Allele origin: germline.

Dept Of Ophthalmology, Nagoya University
Classification: Benign for Retinal dystrophy. Last evaluated: 2023-10-01. Review status: criteria provided, single submitter. Criteria: Submitter's publication. Collection method: research. Allele origin: germline. Affected: yes.

GeneDx
Classification: Benign. Last evaluated: 2020-02-28. Review status: criteria provided, single submitter. Criteria: GeneDx Variant Classification Process June 2021. Collection method: clinical testing. Allele origin: germline. Affected: yes.
Comment: This variant is associated with the following publications: (PMID: 29955609, 32047782)

Ambry Genetics
Classification: Likely benign for Primary ciliary dyskinesia. Last evaluated: 2016-08-30. Review status: criteria provided, single submitter. Criteria: Ambry Variant Classification Scheme 2023. Collection method: clinical testing. Allele origin: germline.